The following is an entry in ClinVar:

ClinVar aggregate classification (germline): Uncertain significance (1 of 4 stars; one submission).

Conditions:
Developmental and epileptic encephalopathy, 34 (DEE34). Also called: Early infantile epileptic encephalopathy 34; SLC12A5-Related Epilepsy of Infancy with Migrating Focal Seizures. Identifiers: Orphanet 293181, MedGen C4225257, MONDO:0014718, OMIM 616645.

Submission:

Labcorp Genetics (formerly Invitae), Labcorp
Classification: Uncertain significance for Developmental and epileptic encephalopathy, 34. Last evaluated: 2021-11-06. Review status: criteria provided, single submitter. Criteria: Invitae Variant Classification Sherloc (09022015). Collection method: clinical testing. Allele origin: germline.
Comment: Advanced modeling of protein sequence and biophysical properties (such as structural, functional, and spatial information, amino acid conservation, physicochemical variation, residue mobility, and thermodynamic stability) performed at Invitae indicates that this missense variant is not expected to disrupt SLC12A5 protein function. In summary, the available evidence is currently insufficient to determine the role of this variant in disease. Therefore, it has been classified as a Variant of Uncertain Significance. This variant has not been reported in the literature in individuals affected with SLC12A5-related conditions. This variant is not present in population databases (gnomAD no frequency). This sequence change replaces phenylalanine, which is neutral and non-polar, with leucine, which is neutral and non-polar, at codon 137 of the SLC12A5 protein (p.Phe137Leu).

NM_020708.5(SLC12A5):c.411C>A (p.Phe137Leu)

Gene: SLC12A5 (solute carrier family 12 member 5; plus strand). Cytogenetic location: 20q13.12.
Variant type: single nucleotide variant.
Coding change: c.411C>A on transcript NM_020708.5 (MANE Select); coding-DNA position 411, C replaced by A.
Protein change: p.Phe137Leu; replaces phenylalanine 137 with leucine.
Molecular consequence: missense variant.
Genome position (GRCh38, 1-based): chr20:46,035,908, C>A. VCF-style: chr20-46035908-C-A. GRCh37 (hg19) VCF-style: chr20-44664547-C-A.
Other names: c.480C>A, p.Phe160Leu (NM_001134771.2); short protein forms F160L, F137L.
Identifiers: ClinVar variation 1506795 (VCV001506795.6), dbSNP rs2145482914, ClinGen allele CA409187762.
Genomic context (GRCh38, chr20:46,035,908, plus strand): 5'-CCTGCGGCTCACCTGGGTGGTGGGCATTGCAGGCATCATGGAGTCCTTCTGCATGGTGTT[C>A]ATCTGCTGCTCCTGTGTGAGTGACACCCCTCCCCTCACCACCCCCTGACAGCTGGGGCTT-3'
Protein context (NP_065759.1, residues 127-147): AGIMESFCMV[Phe137Leu]ICCSCTMLTA